The following is an entry in ClinVar:

NM_005159.5(ACTC1):c.243G>A (p.Trp81Ter)

Genes: ACTC1 (actin alpha cardiac muscle 1; minus strand), GJD2-DT (GJD2 divergent transcript; plus strand). Cytogenetic location: 15q14.
Variant type: single nucleotide variant.
Coding change: c.243G>A on transcript NM_005159.5 (MANE Select); coding-DNA position 243, G replaced by A.
Protein change: p.Trp81Ter; replaces tryptophan 81 with a stop codon.
Molecular consequence: nonsense. On other transcripts: 5 prime UTR variant (1).
Genome position (GRCh38, 1-based): chr15:34,793,456, C>T on the plus strand (G>A on the coding strand, the complement: ACTC1 is on the minus strand). VCF-style: chr15-34793456-C-T. GRCh37 (hg19) VCF-style: chr15-35085657-C-T.
Other names: c.243G>A, p.Trp81Ter (NM_001406482.1, NM_001406483.1); c.108G>A, p.Trp36Ter (NM_001406484.1); c.-146G>A (NM_001406485.1); short protein forms W36*, W81*.
Identifiers: ClinVar variation 3068334 (VCV003068334.1), dbSNP rs1891749863, ClinGen allele CA391631779.

ClinVar aggregate classification (germline): Uncertain significance (1 of 4 stars; one submission).

Conditions:
Hypertrophic cardiomyopathy 11. Also called: ACTC1-Related Familial Hypertrophic Cardiomyopathy. Identifiers: MedGen C2677506, MONDO:0012799, OMIM 612098.

Allele frequency attached by ClinVar (database versions not stated): TOPMed below 0.00001.

Submission:

MVZ Medizinische Genetik Mainz
Classification: Uncertain significance for Hypertrophic cardiomyopathy 11. Last evaluated: 2023-01-25. Review status: criteria provided, single submitter. Criteria: UK Practice Guidelines For Variant Classification V4 01 2020. Collection method: clinical testing. Allele origin: germline. Inheritance: Unknown mechanism. Affected: yes. Observed: 1 variant allele.
Comment: ACMG Criteria: PM2_SUP, PP3